The following is an entry in ClinVar:

ClinVar aggregate classification (germline): Uncertain significance. Review status: criteria provided, multiple submitters, no conflicts (2 of 4 stars). 3 submissions from 3 submitters: Uncertain significance (3). Last evaluated 2025-08-07.

Conditions:
Ehlers-Danlos syndrome, type 4 (EDSVASC). Also called: Ehlers-Danlos syndrome vascular type; Ehlers Danlos syndrome, ecchymotic type; Ehlers Danlos syndrome, arterial type; Ehlers Danlos syndrome, Sack-Barabas type; Ehlers-Danlos Syndrome Type IV. Identifiers: Orphanet 286, MedGen C0268338, MONDO:0017314, OMIM 130050.
Familial thoracic aortic aneurysm and aortic dissection (TAAD). Also called: Thoracic aortic aneurysms and dissections. Identifiers: Orphanet 91387, MedGen C4707243, MONDO:0019625.

Submissions (3):

GeneDx
Classification: Uncertain significance. Last evaluated: 2025-08-07. Review status: criteria provided, single submitter. Criteria: GeneDx Variant Classification Process June 2021. Collection method: clinical testing. Allele origin: germline. Affected: yes.
Comment: Not observed at significant frequency in large population cohorts (gnomAD); In silico analysis supports that this missense variant has a deleterious effect on protein structure/function; Has not been previously published as pathogenic or benign to our knowledge; Occurs in the triple helical domain at the Y position in the canonical Gly-X-Y repeat; although this variant may have an effect on normal protein folding and function, missense substitution at the Y position is not a common mechanism of disease (HGMD)

All of Us Research Program, National Institutes of Health
Classification: Uncertain significance for Ehlers-Danlos syndrome, type 4. Last evaluated: 2024-05-14. Review status: criteria provided, single submitter. Criteria: ACMG Guidelines, 2015. Collection method: clinical testing. Allele origin: germline. Inheritance: Autosomal dominant inheritance. Observed: 1 variant allele, 1 heterozygote.
Comment: This missense variant replaces arginine with glycine at codon 1139 of the COL3A1 protein. Computational prediction suggests that this variant may have deleterious impact on protein structure and function (internally defined REVEL score threshold >= 0.7, PMID: 27666373). To our knowledge, functional studies have not been reported for this variant. This variant has not been reported in individuals affected with cardiovascular disorders in the literature. This variant has not been identified in the general population by the Genome Aggregation Database (gnomAD). The available evidence is insufficient to determine the role of this variant in disease conclusively. Therefore, this variant is classified as a Variant of Uncertain Significance.

This study involves interpretation of variants in research participants for the purpose of population health screening. Participant phenotype was not available at the time of variant classification. Additional details can be found in publication PMID: 35346344, PMCID: PMC8962531

Color Diagnostics, LLC DBA Color Health
Classification: Uncertain significance for Familial thoracic aortic aneurysm and aortic dissection. Last evaluated: 2024-04-25. Review status: criteria provided, single submitter. Criteria: ACMG Guidelines, 2015. Collection method: clinical testing. Allele origin: germline.
Comment: This missense variant replaces arginine with glycine at codon 1139 of the COL3A1 protein. PP3: Computational prediction tools indicate that this variant has a deleterious impact on protein structure and function. To our knowledge, functional studies have not been reported for this variant. This variant has not been reported in individuals affected with COL3A1-related disorders in the literature. This variant has not been identified in the general population by the Genome Aggregation Database (gnomAD). The available evidence is insufficient to determine the role of this variant in disease conclusively. Therefore, this variant is classified as a Variant of Uncertain Significance.

NM_000090.4(COL3A1):c.3415A>G (p.Arg1139Gly)

Gene: COL3A1 (collagen type III alpha 1 chain; plus strand). Cytogenetic location: 2q32.2.
Variant type: single nucleotide variant.
Coding change: c.3415A>G on transcript NM_000090.4 (MANE Select); coding-DNA position 3415, A replaced by G.
Protein change: p.Arg1139Gly; replaces arginine 1139 with glycine.
Molecular consequence: missense variant.
Genome position (GRCh38, 1-based): chr2:189,007,936, A>G. VCF-style: chr2-189007936-A-G. GRCh37 (hg19) VCF-style: chr2-189872662-A-G.
Other names: short protein forms R1139G.
Identifiers: ClinVar variation 927661 (VCV000927661.6), dbSNP rs1688631864, ClinGen allele CA349846223.